The following is an entry in ClinVar:

ClinVar aggregate classification (germline): Likely benign. Review status: criteria provided, multiple submitters, no conflicts (2 of 4 stars). 6 submissions from 6 submitters: Likely benign (4). 2 of the submissions do not count toward it. Last evaluated 2026-01-27.

Allele frequency attached by ClinVar (database versions not stated): gnomAD exomes 0.00052 and 0.00057; gnomAD 0.00056 and 0.00066; ESP Exome Variant Server 0.00040; ExAC 0.00050; TOPMed 0.00071; 1000 Genomes Project 0.00120; 1000 Genomes Project 30x 0.00125.
gnomAD v4.1: 919 of 1,614,098 alleles (0.057%); highest among the groups gnomAD compares: Middle Eastern, 0.2%; 4 homozygotes.

Submissions (6):

Labcorp Genetics (formerly Invitae), Labcorp
Classification: Likely benign. Last evaluated: 2026-01-27. Review status: criteria provided, single submitter. Criteria: Invitae Variant Classification Sherloc (09022015). Collection method: clinical testing. Allele origin: germline.

Women's Health and Genetics/Laboratory Corporation of America, LabCorp
Classification: Likely benign. Last evaluated: 2026-01-23. Review status: criteria provided, single submitter. Criteria: LabCorp Variant Classification Summary - May 2015. Collection method: clinical testing. Allele origin: germline.

Blueprint Genetics
Classification: Likely benign. Last evaluated: 2024-11-27. Review status: criteria provided, single submitter. Criteria: ACMG Guidelines, 2015. Collection method: clinical testing. Allele origin: germline.

CeGaT Center for Human Genetics Tuebingen
Classification: Likely benign. Last evaluated: 2024-01-01. Review status: criteria provided, single submitter. Criteria: CeGaT Center For Human Genetics Tuebingen Variant Classification Criteria Version 2. Collection method: clinical testing. Allele origin: germline. Affected: yes. Observed: 1 variant allele.
Comment: NLRP1: BP4, BP7

Clinical Genetics DNA and cytogenetics Diagnostics Lab, Erasmus MC, Erasmus Medical Center
Classification: Likely benign. Review status: no assertion criteria provided. Collection method: clinical testing. Allele origin: germline. Affected: yes. Study: VKGL Data-share Consensus. Not counted in ClinVar's aggregate classification.

Genome Diagnostics Laboratory, University Medical Center Utrecht
Classification: Likely benign. Review status: no assertion criteria provided. Collection method: clinical testing. Allele origin: germline. Affected: yes. Study: VKGL Data-share Consensus. Not counted in ClinVar's aggregate classification.

NM_033004.4(NLRP1):c.4128G>A (p.Pro1376=)

Gene: NLRP1 (NLR family pyrin domain containing 1; minus strand). Cytogenetic location: 17p13.2.
Variant type: single nucleotide variant.
Coding change: c.4128G>A on transcript NM_033004.4 (MANE Select); coding-DNA position 4128, G replaced by A.
Protein change: p.Pro1376=; no amino-acid change (proline 1376 retained).
Molecular consequence: synonymous variant. On other transcripts: intron variant (1).
Genome position (GRCh38, 1-based): chr17:5,515,048, C>T on the plus strand (G>A on the coding strand, the complement: NLRP1 is on the minus strand). VCF-style: chr17-5515048-C-T. GRCh37 (hg19) VCF-style: chr17-5418368-C-T.
Other names: c.3996G>A, p.Pro1332= (NM_014922.5); c.4038G>A, p.Pro1346= (NM_033006.4); c.3906G>A, p.Pro1302= (NM_033007.4); c.4069+2698G>A (NM_001033053.3).
Identifiers: ClinVar variation 713609 (VCV000713609.37), dbSNP rs199842944, ClinGen allele CA8326621.